The following is an entry in ClinVar:

NM_001286.5(CLCN6):c.1523A>G (p.Lys508Arg)

Gene: CLCN6 (chloride voltage-gated channel 6; plus strand). Cytogenetic location: 1p36.22.
Variant type: single nucleotide variant.
Coding change: c.1523A>G on transcript NM_001286.5 (MANE Select); coding-DNA position 1523, A replaced by G.
Protein change: p.Lys508Arg; replaces lysine 508 with arginine.
Molecular consequence: missense variant. On other transcripts: non-coding transcript variant (1).
Genome position (GRCh38, 1-based): chr1:11,834,027, A>G. VCF-style: chr1-11834027-A-G. GRCh37 (hg19) VCF-style: chr1-11894084-A-G.
Other names: c.1457A>G, p.Lys486Arg (NM_001256959.2); short protein forms K486R, K508R.
Identifiers: ClinVar variation 3356771 (VCV003356771.1).
Genomic context (GRCh38, chr1:11,834,027, plus strand): 5'-TTTTTGTGCCTTCTCTGCTGTGTGGAGCTGCTTTTGGACGTTTAGTTGCCAATGTCCTAA[A>G]AAGGTACTCTGTGTGTGTGCGTGTGTGTGCGCATGTGCATGTGTGTGCACGTGTGCGTGT-3'
Protein context (NP_001277.2, residues 498-518): AFGRLVANVL[Lys508Arg]SYIGLGHIYS

ClinVar aggregate classification (germline): Uncertain significance (0 of 4 stars; one submission).

Conditions:
CLCN6-related disorder. Also called: CLCN6-related condition.

Submission:

PreventionGenetics, part of Exact Sciences
Classification: Uncertain significance for CLCN6-related condition. Last evaluated: 2024-06-05. Review status: no assertion criteria provided. Collection method: clinical testing. Allele origin: germline.
Comment: The CLCN6 c.1523A>G variant is predicted to result in the amino acid substitution p.Lys508Arg. To our knowledge, this variant has not been reported in the literature or in a large population database, indicating this variant is rare. At this time, the clinical significance of this variant is uncertain due to the absence of conclusive functional and genetic evidence.